The following is an entry in ClinVar:

NM_025132.4(WDR19):c.2479A>G (p.Ile827Val)

Gene: WDR19 (WD repeat domain 19; plus strand). Cytogenetic location: 4p14.
Variant type: single nucleotide variant.
Coding change: c.2479A>G on transcript NM_025132.4 (MANE Select); coding-DNA position 2479, A replaced by G.
Protein change: p.Ile827Val; replaces isoleucine 827 with valine.
Molecular consequence: missense variant.
Genome position (GRCh38, 1-based): chr4:39,244,305, A>G. VCF-style: chr4-39244305-A-G. GRCh37 (hg19) VCF-style: chr4-39245925-A-G.
Other names: c.1999A>G, p.Ile667Val (NM_001317924.2); short protein forms I667V, I827V.
Identifiers: ClinVar variation 1501732 (VCV001501732.8), dbSNP rs2109405829, ClinGen allele CA356637364.
Genomic context (GRCh38, chr4:39,244,305, plus strand): 5'-CAGGAACATGATGAAGCTTGTCTGGCTGGAGTGGCCCAGATGTCCATAAGAATGGGAGAC[A>G]TACGTCGAGGGGTTAACCAAGCCCTCAAGCATCCCAGCAGGGTCCTTAAAAGAGACTGTG-3'
Protein context (NP_079408.3, residues 817-837): VAQMSIRMGD[Ile827Val]RRGVNQALKH

ClinVar aggregate classification (germline): Uncertain significance (1 of 4 stars; one submission).

Conditions:
Asphyxiating thoracic dystrophy 5 (SRTD5). Also called: SHORT-RIB THORACIC DYSPLASIA 5 WITH OR WITHOUT POLYDACTYLY; SHORT-RIB THORACIC DYSPLASIA 5 WITHOUT POLYDACTYLY. Identifiers: Orphanet 474, MedGen C3280598, MONDO:0013717, OMIM 614376.
Senior-Loken syndrome 8 (SLSN8). Identifiers: Orphanet 3156, MedGen C4225376, MONDO:0014579, OMIM 616307.

Allele frequency attached by ClinVar (database versions not stated): gnomAD exomes below 0.00001.
gnomAD v4.1: 2 of 1,614,004 alleles (0.00012%); highest among the groups gnomAD compares: Admixed American, 0.0033%; no homozygotes.

Submission:

Labcorp Genetics (formerly Invitae), Labcorp
Classification: Uncertain significance for Senior-Loken syndrome 8; Asphyxiating thoracic dystrophy 5. Last evaluated: 2026-01-05. Review status: criteria provided, single submitter. Criteria: Invitae Variant Classification Sherloc (09022015). Collection method: clinical testing. Allele origin: germline.
Comment: This sequence change replaces isoleucine, which is neutral and non-polar, with valine, which is neutral and non-polar, at codon 827 of the WDR19 protein (p.Ile827Val). This variant is not present in population databases (gnomAD no frequency). This variant has not been reported in the literature in individuals affected with WDR19-related conditions. ClinVar contains an entry for this variant (Variation ID: 1501732). Invitae Evidence Modeling of protein sequence and biophysical properties (such as structural, functional, and spatial information, amino acid conservation, physicochemical variation, residue mobility, and thermodynamic stability) indicates that this missense variant is not expected to disrupt WDR19 protein function with a negative predictive value of 80%. In summary, the available evidence is currently insufficient to determine the role of this variant in disease. Therefore, it has been classified as a Variant of Uncertain Significance.